The following is an entry in ClinVar:

ClinVar aggregate classification (germline): Pathogenic. Review status: reviewed by expert panel (3 of 4 stars). 3 submissions from 3 submitters: Pathogenic (1). 2 of the submissions do not count toward it. Last evaluated 2017-12-15.

Conditions:
Breast-ovarian cancer, familial, susceptibility to, 2 (BROVCA2). Also called: BRCA2 Hereditary Breast and Ovarian Cancer. Identifiers: Orphanet 145, MedGen C2675520, MONDO:0012933, OMIM 612555. Disease mechanism: loss of function.
Hereditary cancer-predisposing syndrome. Also called: Hereditary Cancer Syndrome; Hereditary neoplastic syndrome; Tumor predisposition; Neoplastic Syndromes, Hereditary. Identifiers: Orphanet 140162, MedGen C0027672, MeSH D009386, MONDO:0015356.
Hereditary breast ovarian cancer syndrome. Also called: Hereditary breast and ovarian cancer syndrome; BRCA1- and BRCA2-Associated Hereditary Breast and Ovarian Cancer; Hereditary breast and ovarian cancer syndrome (HBOC); Hereditary breast and/or ovarian cancer syndrome; Hereditary breast and ovarian cancer; Breast and ovarian cancer. Identifiers: Orphanet 145, MedGen C0677776, MeSH D061325, MONDO:0003582. Disease mechanism: loss of function.

Submissions (3):

Evidence-based Network for the Interpretation of Germline Mutant Alleles (ENIGMA)
Classification: Pathogenic for Breast-ovarian cancer, familial, susceptibility to, 2. Last evaluated: 2017-12-15. Review status: reviewed by expert panel. Criteria: ENIGMA BRCA1/2 Classification Criteria (2017-06-29). Collection method: curation. Allele origin: germline. Study: ENIGMA.
Comment: Variant allele predicted to encode a truncated non-functional protein.

Labcorp Genetics (formerly Invitae), Labcorp
Classification: Pathogenic for Hereditary breast ovarian cancer syndrome. Last evaluated: 2025-12-30. Review status: criteria provided, single submitter. Criteria: Invitae Variant Classification Sherloc (09022015). Collection method: clinical testing. Allele origin: germline. Not counted in ClinVar's aggregate classification.
Comment: This sequence change creates a premature translational stop signal (p.Asn272Ilefs*5) in the BRCA2 gene. It is expected to result in an absent or disrupted protein product. Loss-of-function variants in BRCA2 are known to be pathogenic (PMID: 20104584). This variant is not present in population databases (gnomAD no frequency). This variant has not been reported in the literature in individuals affected with BRCA2-related conditions. ClinVar contains an entry for this variant (Variation ID: 441361). For these reasons, this variant has been classified as Pathogenic.

Ambry Genetics
Classification: Pathogenic for Hereditary cancer-predisposing syndrome. Last evaluated: 2024-11-01. Review status: criteria provided, single submitter. Criteria: Ambry Variant Classification Scheme 2023. Collection method: clinical testing. Allele origin: germline. Not counted in ClinVar's aggregate classification.
Comment: The c.813delG pathogenic mutation, located in coding exon 9 of the BRCA2 gene, results from a deletion of one nucleotide at nucleotide position 813, causing a translational frameshift with a predicted alternate stop codon (p.G271Gfs*6). This variant is considered to be rare based on population cohorts in the Genome Aggregation Database (gnomAD). This alteration is expected to result in loss of function by premature protein truncation or nonsense-mediated mRNA decay. As such, this alteration is interpreted as a disease-causing mutation.

Literature cited by the submitters: PubMed 20104584 (cited by Labcorp Genetics (formerly Invitae), Labcorp).

NM_000059.4(BRCA2):c.813del (p.Asn272fs)

Gene: BRCA2 (BRCA2 DNA repair associated; plus strand). Cytogenetic location: 13q13.1.
Variant type: Deletion.
Coding change: c.813del on transcript NM_000059.4 (MANE Select); coding-DNA position 813, one base deleted (G; older notation c.813delG).
Protein change: p.Asn272fs; shifts the reading frame from asparagine 272.
Molecular consequence: frameshift variant.
Genome position (GRCh38, 1-based): chr13:32,332,291, G deleted; the last of 3 consecutive G bases (chr13:32,332,289-32,332,291); deleting any one gives the same sequence. VCF-style (leftmost placement, unchanged base first): chr13-32332288-AG-A. GRCh37 (hg19) VCF-style: chr13-32906425-AG-A.
Other names: c.813delG (NM_000059.3); short protein forms N272fs.
Identifiers: ClinVar variation 441361 (VCV000441361.7), dbSNP rs1555281599, ClinGen allele CA658653668.